The following is an entry in ClinVar:

NM_181507.2(HPS5):c.2415G>A (p.Trp805Ter)

Gene: HPS5 (HPS5 biogenesis of lysosomal organelles complex 2 subunit 2; minus strand). Cytogenetic location: 11p15.1.
Variant type: single nucleotide variant.
Coding change: c.2415G>A on transcript NM_181507.2 (MANE Select); coding-DNA position 2415, G replaced by A.
Protein change: p.Trp805Ter; replaces tryptophan 805 with a stop codon.
Molecular consequence: nonsense.
Genome position (GRCh38, 1-based): chr11:18,291,467, C>T on the plus strand (G>A on the coding strand, the complement: HPS5 is on the minus strand). VCF-style: chr11-18291467-C-T. GRCh37 (hg19) VCF-style: chr11-18313014-C-T.
Other names: c.2073G>A, p.Trp691Ter (NM_007216.4, NM_181508.2); short protein forms W805*, W691*.
Identifiers: ClinVar variation 2706831 (VCV002706831.3), dbSNP rs2494585590, ClinGen allele CA379488730.

ClinVar aggregate classification (germline): Pathogenic (1 of 4 stars; one submission).

Submission:

Labcorp Genetics (formerly Invitae), Labcorp
Classification: Pathogenic. Last evaluated: 2023-12-31. Review status: criteria provided, single submitter. Criteria: Invitae Variant Classification Sherloc (09022015). Collection method: clinical testing. Allele origin: germline.
Comment: This sequence change creates a premature translational stop signal (p.Trp805*) in the HPS5 gene. It is expected to result in an absent or disrupted protein product. Loss-of-function variants in HPS5 are known to be pathogenic (PMID: 12548288, 15296495, 21833017, 26785811). This variant is not present in population databases (gnomAD no frequency). This variant has not been reported in the literature in individuals affected with HPS5-related conditions. Algorithms developed to predict the effect of sequence changes on RNA splicing suggest that this variant may disrupt the consensus splice site. For these reasons, this variant has been classified as Pathogenic.

Literature cited by the submitters: PubMed 12548288; PubMed 15296495; PubMed 21833017; PubMed 26785811.